The following is an entry in ClinVar:

ClinVar aggregate classification (germline): Uncertain significance. Review status: criteria provided, multiple submitters, no conflicts (2 of 4 stars). 2 submissions from 2 submitters: Uncertain significance (2). Last evaluated 2020-07-10.

Conditions:
Dilated cardiomyopathy 1Y (CMD1Y). Identifiers: Orphanet 154, Orphanet 54260, MedGen C2678476, MONDO:0012744, OMIM 611878.

Submissions (2):

Baylor Genetics
Classification: Uncertain significance for Dilated cardiomyopathy 1Y. Last evaluated: 2020-07-10. Review status: criteria provided, single submitter. Criteria: ACMG Guidelines, 2015. Collection method: clinical testing. Allele origin: de novo. Affected: yes.
Comment: This variant was determined to be of uncertain significance according to ACMG Guidelines, 2015 [PMID:25741868].

GeneDx
Classification: Uncertain significance. Last evaluated: 2020-01-30. Review status: criteria provided, single submitter. Criteria: GeneDx Variant Classification Process June 2021. Collection method: clinical testing. Allele origin: germline. Affected: yes.
Comment: Has not been previously published as pathogenic or benign to our knowledge; Not observed in large population cohorts (Lek et al., 2016); In silico analysis supports that this missense variant has a deleterious effect on protein structure/function

NM_001018005.2(TPM1):c.550G>A (p.Glu184Lys)

Gene: TPM1 (tropomyosin 1; plus strand). Cytogenetic location: 15q22.2.
Variant type: single nucleotide variant.
Coding change: c.550G>A on transcript NM_001018005.2 (MANE Select); coding-DNA position 550, G replaced by A.
Protein change: p.Glu184Lys; replaces glutamic acid 184 with lysine.
Molecular consequence: missense variant.
Genome position (GRCh38, 1-based): chr15:63,060,926, G>A. VCF-style: chr15-63060926-G-A. GRCh37 (hg19) VCF-style: chr15-63353125-G-A.
Other names: c.550G>A, p.Glu184Lys (NM_000366.6, NM_001018004.2, NM_001018006.2 and 6 more transcripts); c.442G>A, p.Glu148Lys (NM_001018008.2, NM_001301289.2, NM_001330344.2 and 5 more transcripts); c.676G>A, p.Glu226Lys (NM_001365778.1); short protein forms E148K, E184K, E226K.
Identifiers: ClinVar variation 1030026 (VCV001030026.3), dbSNP rs2035529273, ClinGen allele CA392723280.